The following is an entry in ClinVar:

NM_001018115.3(FANCD2):c.2168+5G>C

Genes: FANCD2 (FA complementation group D2; plus strand), LOC107303338 (3p25 FANCD2 Alu-mediated recombination region; plus strand). Cytogenetic location: 3p25.3.
Variant type: single nucleotide variant.
Coding change: c.2168+5G>C on transcript NM_001018115.3 (MANE Select); 5 bases into the intron after coding-DNA position 2168, G replaced by C.
Molecular consequence: intron variant.
Genome position (GRCh38, 1-based): chr3:10,064,880, G>C. VCF-style: chr3-10064880-G-C. GRCh37 (hg19) VCF-style: chr3-10106564-G-C.
Other names: c.2168+5G>C (NM_001319984.2, NM_033084.6, NM_001374254.1); c.2057+5G>C (NM_001374253.1).
Identifiers: ClinVar variation 1063690 (VCV001063690.4), dbSNP rs1237529867, ClinGen allele CA540873868.
Genomic context (GRCh38, chr3:10,064,880, plus strand): 5'-TCTCAGGACTTTGCAAAAGATGGGGGTCCGGTGACCTCACAGGAATCAGGCCAAAAGTCA[G>C]TATAGTTTTTCTTTTCTAAACCTGTTAGTGTTTTGAATGTTCATGGGGAATTCCACAGCT-3'

ClinVar aggregate classification (germline): Uncertain significance (1 of 4 stars; one submission).

Conditions:
Fanconi anemia (FA). Also called: Fanconi's anemia. Identifiers: Orphanet 84, MedGen C0015625, MeSH D005199, MONDO:0019391.

Allele frequency attached by ClinVar (database versions not stated): gnomAD exomes below 0.00001.
gnomAD v4.1: 1 of 1,613,734 alleles (0.000062%); highest among the groups gnomAD compares: East Asian, 0.0022%; no homozygotes.

Submission:

Labcorp Genetics (formerly Invitae), Labcorp
Classification: Uncertain significance for Fanconi anemia. Last evaluated: 2021-01-08. Review status: criteria provided, single submitter. Criteria: Invitae Variant Classification Sherloc (09022015). Collection method: clinical testing. Allele origin: germline.
Comment: This sequence change falls in intron 23 of the FANCD2 gene. It does not directly change the encoded amino acid sequence of the FANCD2 protein, but it affects a nucleotide within the consensus splice site of the intron. This variant is not present in population databases (ExAC no frequency). This variant has not been reported in the literature in individuals with FANCD2-related conditions. Nucleotide substitutions within the consensus splice site are a relatively common cause of aberrant splicing (PMID: 17576681, 9536098). Algorithms developed to predict the effect of sequence changes on RNA splicing suggest that this variant may disrupt the consensus splice site, but this prediction has not been confirmed by published transcriptional studies. In summary, the available evidence is currently insufficient to determine the role of this variant in disease. Therefore, it has been classified as a Variant of Uncertain Significance.

Literature cited by the submitters: PubMed 17576681; PubMed 9536098.